The following is an entry in ClinVar:

NM_001370100.5(ZMYND11):c.1483C>T (p.Arg495Ter)

Genes: ZMYND11 (zinc finger MYND-type containing 11; plus strand), LOC126860802 (BRD4-independent group 4 enhancer GRCh37_chr10:294268-295467; plus strand). Cytogenetic location: 10p15.3.
Variant type: single nucleotide variant.
Coding change: c.1483C>T on transcript NM_001370100.5 (MANE Select); coding-DNA position 1483, C replaced by T.
Protein change: p.Arg495Ter; replaces arginine 495 with a stop codon.
Molecular consequence: nonsense. On other transcripts: non-coding transcript variant (1).
Genome position (GRCh38, 1-based): chr10:248,591, C>T. VCF-style: chr10-248591-C-T. GRCh37 (hg19) VCF-style: chr10-294531-C-T.
Other names: c.1483C>T, p.Arg495Ter (NM_001161482.1, NM_001202468.1, NM_001370097.3 and 5 more transcripts); c.1321C>T, p.Arg441Ter (NM_001202464.3, NM_001202467.1, NM_001370103.2 and 6 more transcripts); c.1228C>T, p.Arg410Ter (NM_001202465.3, NM_001370110.2); c.1318C>T, p.Arg440Ter (NM_001202466.3, NM_001370111.2); c.1432C>T, p.Arg478Ter (NM_001330057.3, NM_001370112.2); c.1126C>T, p.Arg376Ter (NM_001370123.2); c.1012C>T, p.Arg338Ter (NM_001370124.3); c.1480C>T, p.Arg494Ter (NM_212479.4, NM_001370115.2); and 9 more; short protein forms R338*, R376*, R393*, R401*, R410*, R419*, R440*, R441*.
Identifiers: ClinVar variation 3068340 (VCV003068340.2), dbSNP rs2540046247, ClinGen allele CA375823003.

ClinVar aggregate classification (germline): Pathogenic/Likely pathogenic. Review status: criteria provided, multiple submitters, no conflicts (2 of 4 stars). 2 submissions from 2 submitters: Pathogenic (1); Likely pathogenic (1). Last evaluated 2026-04-20.

Conditions:
Intellectual developmental disorder, autosomal dominant 30, with speech delay and behavioral abnormalities. Also called: Intellectual disability, autosomal dominant 30. Identifiers: Orphanet 436151, MedGen C4015167, MONDO:0014486, OMIM 616083.
ZMYND11-related disorder. Also called: ZMYND11-related condition.

Submissions (2):

PreventionGenetics, part of Exact Sciences
Classification: Likely pathogenic for ZMYND11-related condition. Last evaluated: 2026-04-20. Review status: criteria provided, single submitter. Criteria: ACMG Guidelines, 2015. Collection method: clinical testing. Allele origin: germline.
Comment: The ZMYND11 c.1483C>T variant is predicted to result in premature protein termination (p.Arg495*). To our knowledge, this variant has not been reported in the literature or in a large population database (gnomAD), indicating this variant is rare. Nonsense variants in ZMYND11 are expected to be pathogenic. This variant is interpreted as likely pathogenic.

MVZ Medizinische Genetik Mainz
Classification: Pathogenic for Intellectual developmental disorder, autosomal dominant 30, with speech delay and behavioral abnormalities. Last evaluated: 2024-04-05. Review status: criteria provided, single submitter. Criteria: UK Practice Guidelines For Variant Classification V4 01 2020. Collection method: clinical testing. Allele origin: germline. Inheritance: Autosomal dominant inheritance. Affected: yes. Observed: 1 variant allele.
Comment: ACMG Criteria: PVS1,PM2_SUP